The following is an entry in ClinVar:

NM_003072.5(SMARCA4):c.4665G>A (p.Ser1555=)

Gene: SMARCA4 (SWI/SNF related BAF chromatin remodeling complex subunit ATPase 4; plus strand). Cytogenetic location: 19p13.2.
Variant type: single nucleotide variant.
Coding change: c.4665G>A on transcript NM_003072.5 (MANE Select); coding-DNA position 4665, G replaced by A.
Protein change: p.Ser1555=; no amino-acid change (serine 1555 retained).
Molecular consequence: synonymous variant. On other transcripts: non-coding transcript variant (1).
Genome position (GRCh38, 1-based): chr19:11,059,782, G>A. VCF-style: chr19-11059782-G-A. GRCh37 (hg19) VCF-style: chr19-11170458-G-A.
Other names: c.4665G>A, p.Ser1555= (NM_001128844.3); c.4575G>A, p.Ser1525= (NM_001128845.2); c.4572G>A, p.Ser1524= (NM_001128846.2); c.4566G>A, p.Ser1522= (NM_001128847.4, NM_001374457.1); c.4563G>A, p.Ser1521= (NM_001128848.2); c.4761G>A, p.Ser1587= (NM_001128849.3, NM_001387283.1).
Identifiers: ClinVar variation 537861 (VCV000537861.17), dbSNP rs1201916615, ClinGen allele CA505495108.

ClinVar aggregate classification (germline): Conflicting classifications of pathogenicity. Review status: criteria provided, conflicting classifications (1 of 4 stars). 4 submissions from 4 submitters: Uncertain significance (1); Benign (1); Likely benign (2). Last evaluated 2026-07-23.

Conditions:
Rhabdoid tumor predisposition syndrome 2 (RTPS2). Identifiers: Orphanet 231108, Orphanet 69077, MedGen C2750074, MONDO:0013224, OMIM 613325.
Hereditary cancer-predisposing syndrome. Also called: Tumor predisposition; Neoplastic Syndromes, Hereditary; Hereditary Cancer Syndrome; Hereditary neoplastic syndrome. Identifiers: Orphanet 140162, MedGen C0027672, MeSH D009386, MONDO:0015356.

Allele frequency attached by ClinVar (database versions not stated): gnomAD exomes below 0.00001.
gnomAD v4.1: 7 of 1,598,830 alleles (0.00044%); highest among the groups gnomAD compares: African/African-American, 0.0027%; no homozygotes.

Submissions (4):

Myriad Genetics, Inc.
Classification: Benign for Rhabdoid tumor predisposition syndrome 2. Last evaluated: 2026-07-23. Review status: criteria provided, single submitter. Criteria: Myriad Autosomal Dominant, Autosomal Recessive and X-Linked Classification Criteria (2023). Collection method: clinical testing. Allele origin: unknown.
Comment: This variant is considered benign. This variant is a silent/synonymous amino acid change and it is not expected to impact splicing.

Labcorp Genetics (formerly Invitae), Labcorp
Classification: Likely benign for Rhabdoid tumor predisposition syndrome 2. Last evaluated: 2025-05-22. Review status: criteria provided, single submitter. Criteria: Invitae Variant Classification Sherloc (09022015). Collection method: clinical testing. Allele origin: germline.

Sema4
Classification: Uncertain significance for Hereditary cancer-predisposing syndrome. Last evaluated: 2021-11-21. Review status: criteria provided, single submitter. Criteria: Sema4 Curation Guidelines. Collection method: curation. Allele origin: germline.
Comment: The SMARCA4 c.4761G>A (p.S1587=) variant has not been reported in the literature to our knowledge. It was observed in 1/28022 chromosomes of the South Asian subpopulation in the large and broad cohorts of the Genome Aggregation Database (PMID: 32461654). The variant has been reported in ClinVar (Variation ID: 537861). In silico tools suggest that the variant may have a slight impact on splicing, though these predictions have not been confirmed by functional studies. The evidence is insufficient to meet ACMG/AMP criteria for classifying the variant as benign or pathogenic. Thus, the clinical significance of this variant is currently uncertain.

Ambry Genetics
Classification: Likely benign for Hereditary cancer-predisposing syndrome. Last evaluated: 2018-07-02. Review status: criteria provided, single submitter. Criteria: Ambry Variant Classification Scheme 2023. Collection method: clinical testing. Allele origin: germline.